The following is an entry in ClinVar:

ClinVar aggregate classification (germline): Uncertain significance. Review status: criteria provided, multiple submitters, no conflicts (2 of 4 stars). 2 submissions from 2 submitters: Uncertain significance (2). Last evaluated 2017-10-12.

Conditions:
Tatton-Brown-Rahman overgrowth syndrome. Also called: Tall stature-intellectual disability-facial dysmorphism syndrome; Tatton-Brown-Rahman syndrome. Identifiers: Orphanet 404443, MedGen C4014545, MONDO:0014382, OMIM 615879.

Allele frequency attached by ClinVar (database versions not stated): gnomAD 0.00001.

Submissions (2):

HudsonAlpha Institute for Biotechnology
Classification: Uncertain significance for Tatton-Brown-Rahman overgrowth syndrome. Last evaluated: 2017-10-12. Review status: criteria provided, single submitter. Criteria: HA_assertions_20161101. Collection method: research. Allele origin: de novo. Affected: yes. Observed: 1 variant allele. Study: CSER-HudsonAlpha.

GeneDx
Classification: Uncertain significance. Last evaluated: 2017-01-12. Review status: criteria provided, single submitter. Criteria: GeneDx Variant Classification (06012015). Collection method: clinical testing. Allele origin: germline. Affected: yes.
Comment: The W581C variant in the DNMT3A gene has not been reported previously as a germline pathogenic variant, nor as a benign variant, to our knowledge. The W581C variant was not observed in approximately 6,500 individuals of European and African American ancestry in the NHLBI Exome Sequencing Project, indicating it is not a common benign variant in these populations. The W581C variant is a non-conservative amino acid substitution, which is likely to impact secondary protein structure as these residues differ in polarity, charge, size and/or other properties. This substitution occurs at a position that is conserved across species. In silico analysis predicts this variant is probably damaging to the protein structure/function. We interpret W581C as a variant of uncertain significance.

NM_022552.5(DNMT3A):c.1743G>T (p.Trp581Cys)

Gene: DNMT3A (DNA methyltransferase 3 alpha; minus strand). Cytogenetic location: 2p23.3.
Variant type: single nucleotide variant.
Coding change: c.1743G>T on transcript NM_022552.5 (MANE Select); coding-DNA position 1743, G replaced by T.
Protein change: p.Trp581Cys; replaces tryptophan 581 with cysteine.
Molecular consequence: missense variant. On other transcripts: non-coding transcript variant (1).
Genome position (GRCh38, 1-based): chr2:25,244,263, C>A on the plus strand (G>T on the coding strand, the complement: DNMT3A is on the minus strand). VCF-style: chr2-25244263-C-A. GRCh37 (hg19) VCF-style: chr2-25467132-C-A.
Other names: c.1743G>T, p.Trp581Cys (NM_175629.2); c.1287G>T, p.Trp429Cys (NM_001320893.1); c.1074G>T, p.Trp358Cys (NM_001375819.1); c.1176G>T, p.Trp392Cys (NM_153759.3); short protein forms W392C, W581C, W429C, W358C.
Identifiers: ClinVar variation 392082 (VCV000392082.2), dbSNP rs769419803, ClinGen allele CA16604180.
Genomic context (GRCh38, chr2:25,244,263, plus strand): 5'-CCAGTCCTCTCGCCGCCGCAGCAGCCCGTAGGTACCCTTGTGCCCGCACATGTAGCAGTT[C>A]CAGGGGTCTTCCTTAATGGCTGCCTGGGCAGCCCCCGGCCCCACCAAGAGGTCCACACAC-3'
Protein context (NP_072046.2, residues 571-591): AAQAAIKEDP[Trp581Cys]NCYMCGHKGT